The following is an entry in ClinVar:

ClinVar aggregate classification (germline): Uncertain significance. Review status: criteria provided, multiple submitters, no conflicts (2 of 4 stars). 2 submissions from 2 submitters: Uncertain significance (2). Last evaluated 2026-09-17.

Conditions:
Age related macular degeneration 4. Identifiers: MedGen C1853147, MONDO:0012540, OMIM 610698.
Factor H deficiency (CFHD). Also called: COMPLEMENT FACTOR H DEFICIENCY; CFH DEFICIENCY. Identifiers: Orphanet 200421, MedGen C0398777, MONDO:0012350, OMIM 609814.

gnomAD v4.1: 6 of 1,613,950 alleles (0.00037%); highest among the groups gnomAD compares: Non-Finnish European, 0.00051%; no homozygotes.

Submissions (2):

Genomenon, Inc
Classification: Uncertain significance for Age related macular degeneration 4; Factor H deficiency. Last evaluated: 2026-09-17. Review status: criteria provided, single submitter. Criteria: Genomenon Sequence Variant Interpretation Standards - Updated. Collection method: curation. Allele origin: germline. Affected: yes.
Comment: CFH p.Pro26Ser (c.76C>T) is a missense variant that changes the amino acid at codon 26 from proline to serine. This variant has been observed in at least one proband affected with a CFH-related disorder (PMID: 26501415; 29327071). Functional studies have been reported (PMID: 36643920). It is absent or not present at a significant frequency in gnomAD. In conclusion, we classify CFH p.Pro26Ser (c.76C>T) as a variant of uncertain significance.

Blueprint Genetics
Classification: Uncertain significance. Last evaluated: 2023-06-01. Review status: criteria provided, single submitter. Criteria: ACMG Guidelines, 2015. Collection method: clinical testing. Allele origin: germline.

Literature cited by the submitters: PubMed 26501415 (cited by Genomenon, Inc); PubMed 29327071 (cited by Genomenon, Inc); PubMed 36643920 (cited by Genomenon, Inc).

NM_000186.4(CFH):c.76C>T (p.Pro26Ser)

Gene: CFH (complement factor H; plus strand). Cytogenetic location: 1q31.3.
Variant type: single nucleotide variant.
Coding change: c.76C>T on transcript NM_000186.4 (MANE Select); coding-DNA position 76, C replaced by T.
Protein change: p.Pro26Ser; replaces proline 26 with serine.
Molecular consequence: missense variant.
Genome position (GRCh38, 1-based): chr1:196,672,995, C>T. VCF-style: chr1-196672995-C-T. GRCh37 (hg19) VCF-style: chr1-196642125-C-T.
Other names: c.76C>T, p.Pro26Ser (NM_001014975.3); short protein forms P26S.
Identifiers: ClinVar variation 4291315 (VCV004291315.3).